The following is an entry in ClinVar:

NM_000153.4(GALC):c.620del (p.Lys207fs)

Gene: GALC (galactosylceramidase; minus strand). Cytogenetic location: 14q31.3.
Variant type: Deletion.
Coding change: c.620del on transcript NM_000153.4 (MANE Select); coding-DNA position 620, one base deleted (A; older notation c.620delA).
Protein change: p.Lys207fs; shifts the reading frame from lysine 207.
Molecular consequence: frameshift variant. On other transcripts: 5 prime UTR variant (2), non-coding transcript variant (1).
Genome position (GRCh38, 1-based): chr14:87,982,206, T deleted on the plus strand (A on the coding strand, the reverse complement: GALC is on the minus strand); the first of 2 consecutive T bases (chr14:87,982,206-87,982,207); deleting either gives the same sequence. VCF-style (leftmost placement, unchanged base first): chr14-87982205-CT-C. GRCh37 (hg19) VCF-style: chr14-88448549-CT-C.
Other names: c.551del, p.Lys184fs (NM_001201401.2); c.542del, p.Lys181fs (NM_001201402.2); c.452del, p.Lys151fs (NM_001424071.1, NM_001424072.1, NM_001424073.1); c.272del, p.Lys91fs (NM_001424074.1, NM_001424075.1); c.-48del (NM_001424076.1, NM_001424077.1); short protein forms K151fs, K184fs, K181fs, K91fs, K207fs.
Identifiers: ClinVar variation 2815027 (VCV002815027.4), dbSNP rs2503500594, ClinGen allele CA2575595265.

ClinVar aggregate classification (germline): Pathogenic. Review status: criteria provided, multiple submitters, no conflicts (2 of 4 stars). 2 submissions from 2 submitters: Pathogenic (2). Last evaluated 2024-03-31.

Conditions:
Galactosylceramide beta-galactosidase deficiency. Also called: GALACTOCEREBROSIDASE DEFICIENCY; GALC DEFICIENCY; GLOBOID CELL LEUKOENCEPHALOPATHY; Leukodystrophy, Globoid Cell; Krabbe Disease. Identifiers: Orphanet 487, MedGen C0023521, MONDO:0009499, OMIM 245200.

Submissions (2):

Myriad Genetics, Inc.
Classification: Pathogenic for Galactosylceramide beta-galactosidase deficiency. Last evaluated: 2024-03-31. Review status: criteria provided, single submitter. Criteria: Myriad Autosomal Dominant, Autosomal Recessive and X-Linked Classification Criteria (2023). Collection method: clinical testing. Allele origin: unknown.
Comment: NM_000153.3(GALC):c.620delA(K207Rfs*3) is expected to be pathogenic in the context of Krabbe disease. This variant is predicted to lead to an abnormal or absent protein product due to the creation of a premature termination codon in GALC, a gene where loss-of-function variants are known to be pathogenic. Please note: this variant was assessed in the context of healthy population screening.

Labcorp Genetics (formerly Invitae), Labcorp
Classification: Pathogenic for Galactosylceramide beta-galactosidase deficiency. Last evaluated: 2022-11-25. Review status: criteria provided, single submitter. Criteria: Invitae Variant Classification Sherloc (09022015). Collection method: clinical testing. Allele origin: germline.
Comment: This sequence change creates a premature translational stop signal (p.Lys207Argfs*3) in the GALC gene. It is expected to result in an absent or disrupted protein product. Loss-of-function variants in GALC are known to be pathogenic (PMID: 7437911, 9272171, 16607461). This variant is not present in population databases (gnomAD no frequency). This premature translational stop signal has been observed in individual(s) with Krabbe disease (PMID: 30777126). For these reasons, this variant has been classified as Pathogenic.

Literature cited by the submitters: PubMed 7437911 (cited by Labcorp Genetics (formerly Invitae), Labcorp); PubMed 9272171 (cited by Labcorp Genetics (formerly Invitae), Labcorp); PubMed 16607461 (cited by Labcorp Genetics (formerly Invitae), Labcorp); PubMed 30777126 (cited by Labcorp Genetics (formerly Invitae), Labcorp).